The following is an entry in ClinVar:

NM_145893.3(RBFOX1):c.953_962del (p.Val318fs)

Gene: RBFOX1 (RNA binding fox-1 homolog 1; plus strand). Cytogenetic location: 16p13.3.
Variant type: Deletion.
Coding change: c.953_962del on transcript NM_145893.3 (MANE Plus Clinical); coding-DNA positions 953 to 962, 10 bases deleted (TAGTGTATCA; older notation c.953_962delTAGTGTATCA).
Protein change: p.Val318fs; shifts the reading frame from valine 318.
Molecular consequence: frameshift variant. On other transcripts: intron variant (36).
Genome position (GRCh38, 1-based): chr16:7,671,559-7,671,568, TAGTGTATCA deleted. VCF-style (leftmost placement, unchanged base first): chr16-7671558-GTAGTGTATCA-G. GRCh37 (hg19) VCF-style: chr16-7721560-GTAGTGTATCA-G.
Other names: c.872_881del, p.Val291fs (NM_001415906.1); c.953_962del, p.Val318fs (NM_145891.3, NM_145892.3); c.1528-5215_1528-5206del (NM_001415887.1); c.1447-5215_1447-5206del (NM_001415888.1); c.931-5215_931-5206del (NM_001364800.2, NM_018723.4, NM_001142334.2); c.850-5215_850-5206del (NM_001142333.2); c.1060-5215_1060-5206del (NM_001415895.1, NM_001415891.1, NM_001411047.1 and 1 more transcripts); c.979-5215_979-5206del (NM_001415907.1, NM_001415897.1); and 14 more; short protein forms V291fs, V318fs.
Identifiers: ClinVar variation 2711158 (VCV002711158.3), dbSNP rs2508643639, ClinGen allele CA2697549703.

ClinVar aggregate classification (germline): Uncertain significance (1 of 4 stars; one submission).

Conditions:
Idiopathic generalized epilepsy. Also called: Generalised epilepsy; EIG. Identifiers: MedGen C0270850, MONDO:0005579, OMIM 600669.

Submission:

Labcorp Genetics (formerly Invitae), Labcorp
Classification: Uncertain significance for Idiopathic generalized epilepsy. Last evaluated: 2024-02-17. Review status: criteria provided, single submitter. Criteria: Invitae Variant Classification Sherloc (09022015). Collection method: clinical testing. Allele origin: germline.
Comment: This sequence change creates a premature translational stop signal (p.Val318Glufs*58) in the RBFOX1 gene. While this is not anticipated to result in nonsense mediated decay, it is expected to disrupt the last 101 amino acid(s) of the RBFOX1 protein. This variant is not present in population databases (gnomAD no frequency). This variant has not been reported in the literature in individuals affected with RBFOX1-related conditions. Experimental studies and prediction algorithms are not available or were not evaluated, and the functional significance of this variant is currently unknown. In summary, the available evidence is currently insufficient to determine the role of this variant in disease. Therefore, it has been classified as a Variant of Uncertain Significance.